The following is an entry in ClinVar:

NM_032153.6(ZIC4):c.965C>G (p.Ser322Trp)

Gene: ZIC4 (Zic family zinc finger 4; minus strand). Cytogenetic location: 3q24.
Variant type: single nucleotide variant.
Coding change: c.965C>G on transcript NM_032153.6 (MANE Select); coding-DNA position 965, C replaced by G.
Protein change: p.Ser322Trp; replaces serine 322 with tryptophan.
Molecular consequence: missense variant. On other transcripts: non-coding transcript variant (3).
Genome position (GRCh38, 1-based): chr3:147,390,970, G>C on the plus strand (C>G on the coding strand, the complement: ZIC4 is on the minus strand). VCF-style: chr3-147390970-G-C. GRCh37 (hg19) VCF-style: chr3-147108757-G-C.
Other names: c.1115C>G, p.Ser372Trp (NM_001168378.1); c.1079C>G, p.Ser360Trp (NM_001168379.2); c.347C>G, p.Ser116Trp (NM_001243256.2); short protein forms S360W, S116W, S322W, S372W.
Identifiers: ClinVar variation 3018653 (VCV003018653.3), dbSNP rs183217537, ClinGen allele CA2656662.

ClinVar aggregate classification (germline): Uncertain significance (1 of 4 stars; one submission).

gnomAD v4.1: 13 of 1,612,108 alleles (0.00081%); highest among the groups gnomAD compares: African/African-American, 0.0013%; no homozygotes.

Submission:

Labcorp Genetics (formerly Invitae), Labcorp
Classification: Uncertain significance. Last evaluated: 2025-06-12. Review status: criteria provided, single submitter. Criteria: Invitae Variant Classification Sherloc (09022015). Collection method: clinical testing. Allele origin: germline.
Comment: This sequence change replaces serine, which is neutral and polar, with tryptophan, which is neutral and slightly polar, at codon 372 of the ZIC4 protein (p.Ser372Trp). This variant is present in population databases (rs183217537, gnomAD 0.004%). This variant has not been reported in the literature in individuals affected with ZIC4-related conditions. ClinVar contains an entry for this variant (Variation ID: 3018653). An algorithm developed to predict the effect of missense changes on protein structure and function (PolyPhen-2) suggests that this variant is likely to be disruptive. In summary, the available evidence is currently insufficient to determine the role of this variant in disease. Therefore, it has been classified as a Variant of Uncertain Significance.